The following is an entry in ClinVar:

NM_012072.4(CD93):c.1487G>A (p.Arg496His)

Gene: CD93 (CD93 molecule; minus strand). Cytogenetic location: 20p11.21.
Variant type: single nucleotide variant.
Coding change: c.1487G>A on transcript NM_012072.4 (MANE Select); coding-DNA position 1487, G replaced by A.
Protein change: p.Arg496His; replaces arginine 496 with histidine.
Molecular consequence: missense variant.
Genome position (GRCh38, 1-based): chr20:23,084,706, C>T on the plus strand (G>A on the coding strand, the complement: CD93 is on the minus strand). VCF-style: chr20-23084706-C-T. GRCh37 (hg19) VCF-style: chr20-23065343-C-T.
Other names: short protein forms R496H.
Identifiers: ClinVar variation 3060757 (VCV003060757.2), dbSNP rs570911199, ClinGen allele CA9788000.

ClinVar aggregate classification (germline): Likely benign (0 of 4 stars; one submission).

Conditions:
CD93-related disorder. Also called: CD93-related condition.

Allele frequency attached by ClinVar (database versions not stated): TOPMed 0.00023; ExAC 0.00026; gnomAD 0.00033; 1000 Genomes Project 30x 0.00078; 1000 Genomes Project 0.00080.

Submission:

PreventionGenetics, part of Exact Sciences
Classification: Likely benign for CD93-related condition. Last evaluated: 2022-04-12. Review status: no assertion criteria provided. Collection method: clinical testing. Allele origin: germline.
Comment: This variant is classified as likely benign based on ACMG/AMP sequence variant interpretation guidelines (Richards et al. 2015 PMID: 25741868, with internal and published modifications).